The following is an entry in ClinVar:

ClinVar aggregate classification (germline): Likely pathogenic. Review status: criteria provided, single submitter (1 of 4 stars). 2 submissions from 2 submitters: Likely pathogenic (1). 1 of the submissions does not count toward it. Last evaluated 2021-04-09.

Conditions:
Hypotonia, infantile, with psychomotor retardation and characteristic facies 2 (IHPRF2). Also called: UNC80 Deficiency. Identifiers: Orphanet 371364, Orphanet 700333, MedGen C4225203, MONDO:0014777, OMIM 616801.

Submissions (2):

Labcorp Genetics (formerly Invitae), Labcorp
Classification: Likely pathogenic. Last evaluated: 2021-04-09. Review status: criteria provided, single submitter. Criteria: Invitae Variant Classification Sherloc (09022015). Collection method: clinical testing. Allele origin: germline.
Comment: In summary, the currently available evidence indicates that the variant is pathogenic, but additional data are needed to prove that conclusively. Therefore, this variant has been classified as Likely Pathogenic. Algorithms developed to predict the effect of sequence changes on RNA splicing suggest that this variant may disrupt the consensus splice site, but this prediction has not been confirmed by published transcriptional studies. This variant has been observed in individual(s) with UNC80-related conditions (PMID: 30167850). ClinVar contains an entry for this variant (Variation ID: 684717). This variant is not present in population databases (ExAC no frequency). This sequence change affects an acceptor splice site in intron 4 of the UNC80 gene. It is expected to disrupt RNA splicing. Variants that disrupt the donor or acceptor splice site typically lead to a loss of protein function (PMID: 16199547), and loss-of-function variants in UNC80 are known to be pathogenic (PMID: 26545877, 26708751, 26708753).

Yale Center for Mendelian Genomics, Yale University
Classification: Pathogenic for Hypotonia, infantile, with psychomotor retardation and characteristic facies 2. Last evaluated: 2018-08-23. Review status: no assertion criteria provided. Collection method: literature only. Allele origin: germline. Affected: yes. Observed: 2 homozygotes. Not counted in ClinVar's aggregate classification.

Literature cited by the submitters: PubMed 30167850 (cited by Labcorp Genetics (formerly Invitae), Labcorp and Yale Center for Mendelian Genomics, Yale University); PubMed 16199547 (cited by Labcorp Genetics (formerly Invitae), Labcorp); PubMed 26545877 (cited by Labcorp Genetics (formerly Invitae), Labcorp); PubMed 26708751 (cited by Labcorp Genetics (formerly Invitae), Labcorp); PubMed 26708753 (cited by Labcorp Genetics (formerly Invitae), Labcorp).

NM_001371986.1(UNC80):c.601-1G>A

Gene: UNC80 (unc-80 subunit of NALCN channel complex; plus strand). Cytogenetic location: 2q34.
Variant type: single nucleotide variant.
Coding change: c.601-1G>A on transcript NM_001371986.1 (MANE Select); the canonical splice acceptor site of the intron before coding-DNA position 601, G replaced by A.
Molecular consequence: splice acceptor variant.
Genome position (GRCh38, 1-based): chr2:209,786,065, G>A. VCF-style: chr2-209786065-G-A. GRCh37 (hg19) VCF-style: chr2-210650789-G-A.
Other names: c.601-1G>A (NM_032504.2, NM_182587.4).
Identifiers: ClinVar variation 684717 (VCV000684717.9), dbSNP rs1574434743, ClinGen allele CA350131570.